The following is an entry in ClinVar:

ClinVar aggregate classification (germline): Likely benign (1 of 4 stars; one submission).

gnomAD v4.1: 8 of 1,611,018 alleles (0.0005%); highest among the groups gnomAD compares: South Asian, 0.0022%; no homozygotes.

Submission:

Molecular Diagnostic Laboratory for Inherited Cardiovascular Disease, Montreal Heart Institute
Classification: Likely benign. Last evaluated: 2025-04-09. Review status: criteria provided, single submitter. Criteria: ACMG Guidelines, 2015. Collection method: clinical testing. Allele origin: germline. Affected: no.
Comment: BP1

NM_001267550.2(TTN):c.56113G>A (p.Val18705Met)

Genes: TTN (titin; minus strand), TTN-AS1 (TTN antisense RNA 1; plus strand). Cytogenetic location: 2q31.2.
Variant type: single nucleotide variant.
Coding change: c.56113G>A on transcript NM_001267550.2 (MANE Select); coding-DNA position 56113, G replaced by A.
Protein change: p.Val18705Met; replaces valine 18705 with methionine.
Molecular consequence: missense variant.
Genome position (GRCh38, 1-based): chr2:178,599,788, C>T on the plus strand (G>A on the coding strand, the complement: TTN is on the minus strand). VCF-style: chr2-178599788-C-T. GRCh37 (hg19) VCF-style: chr2-179464515-C-T.
Other names: c.51190G>A, p.Val17064Met (NM_001256850.1); c.28918G>A, p.Val9640Met (NM_003319.4); c.48409G>A, p.Val16137Met (NM_133378.4); c.29293G>A, p.Val9765Met (NM_133432.3); c.29494G>A, p.Val9832Met (NM_133437.4); short protein forms V16137M, V17064M, V18705M, V9640M, V9765M, V9832M.
Identifiers: ClinVar variation 3895105 (VCV003895105.1), dbSNP rs1297839947.